The following is an entry in ClinVar:

ClinVar aggregate classification (germline): Likely pathogenic (1 of 4 stars; one submission).

Conditions:
Dilated cardiomyopathy 1G (CMD1G). Identifiers: Orphanet 154, MedGen C1858763, MONDO:0011400, OMIM 604145.
Autosomal recessive limb-girdle muscular dystrophy type 2J (LGMDR10). Also called: Limb-girdle muscular dystrophy, type 2J; MUSCULAR DYSTROPHY, LIMB-GIRDLE, AUTOSOMAL RECESSIVE 10. Identifiers: Orphanet 140922, MedGen C1837342, MONDO:0012127, OMIM 608807.

Submission:

Labcorp Genetics (formerly Invitae), Labcorp
Classification: Likely pathogenic for Dilated cardiomyopathy 1G; Autosomal recessive limb-girdle muscular dystrophy type 2J. Last evaluated: 2022-05-20. Review status: criteria provided, single submitter. Criteria: Invitae Variant Classification Sherloc (09022015). Collection method: clinical testing. Allele origin: germline.
Comment: In summary, the currently available evidence indicates that the variant is pathogenic, but additional data are needed to prove that conclusively. Therefore, this variant has been classified as Likely Pathogenic. This variant is located in the A band of TTN (PMID: 25589632). Truncating variants in this region are significantly overrepresented in patients affected with dilated cardiomyopathy (PMID: 25589632). Truncating variants in this region have also been reported in individuals affected with autosomal recessive centronuclear myopathy (PMID: 23975875). This variant has not been reported in the literature in individuals affected with TTN-related conditions. This variant is not present in population databases (gnomAD no frequency). This sequence change creates a premature translational stop signal (p.Tyr23494*) in the TTN gene. While this is not anticipated to result in nonsense mediated decay, it is expected to create a truncated TTN protein.

Literature cited by the submitters: PubMed 25589632; PubMed 23975875.

NM_001267550.2(TTN):c.70482_70483del (p.Tyr23494_Lys23495delinsTer)

Genes: TTN-AS1 (TTN antisense RNA 1; plus strand), TTN (titin; minus strand), LOC126806422 (BRD4-independent group 4 enhancer GRCh37_chr2:179440205-179441404; plus strand). Cytogenetic location: 2q31.2.
Variant type: Microsatellite.
Coding change: c.70482_70483del on transcript NM_001267550.2 (MANE Select); coding-DNA positions 70482 to 70483, 2 bases deleted (TA; older notation c.70482_70483delTA).
Protein change: p.Tyr23494_Lys23495delinsTer.
Molecular consequence: nonsense.
Genome position (GRCh38, 1-based): chr2:178,575,649-178,575,650, TA deleted on the plus strand (TA on the coding strand, the reverse complement: TTN is on the minus strand); deleting any 2 consecutive bases within chr2:178,575,649-178,575,653 gives the same sequence; the c. name uses the placement nearest the transcript's 3' end. VCF-style (leftmost placement, unchanged base first): chr2-178575648-TTA-T. GRCh37 (hg19) VCF-style: chr2-179440375-TTA-T.
Other names: c.65559_65560del, p.Tyr21853_Lys21854delinsTer (NM_001256850.1); c.43287_43288del, p.Tyr14429_Lys14430delinsTer (NM_003319.4); c.62778_62779del, p.Tyr20926_Lys20927delinsTer (NM_133378.4); c.43662_43663del, p.Tyr14554_Lys14555delinsTer (NM_133432.3); c.43863_43864del, p.Tyr14621_Lys14622delinsTer (NM_133437.4).
Identifiers: ClinVar variation 2125335 (VCV002125335.4), dbSNP rs2468690624, ClinGen allele CA2580614564.